The following is an entry in ClinVar:

NM_001146.5(ANGPT1):c.994G>A (p.Asp332Asn)

Gene: ANGPT1 (angiopoietin 1; minus strand). Cytogenetic location: 8q23.1.
Variant type: single nucleotide variant.
Coding change: c.994G>A on transcript NM_001146.5 (MANE Select); coding-DNA position 994, G replaced by A.
Protein change: p.Asp332Asn; replaces aspartic acid 332 with asparagine.
Molecular consequence: missense variant.
Genome position (GRCh38, 1-based): chr8:107,293,980, C>T on the plus strand (G>A on the coding strand, the complement: ANGPT1 is on the minus strand). VCF-style: chr8-107293980-C-T. GRCh37 (hg19) VCF-style: chr8-108306208-C-T.
Other names: c.991G>A, p.Asp331Asn (NM_001199859.3); c.394G>A, p.Asp132Asn (NM_001314051.2); short protein forms D332N, D331N, D132N.
Identifiers: ClinVar variation 2055971 (VCV002055971.4), dbSNP rs774087006, ClinGen allele CA4841211.

ClinVar aggregate classification (germline): Uncertain significance (1 of 4 stars; one submission).

Allele frequency attached by ClinVar (database versions not stated): gnomAD exomes below 0.00001; TOPMed below 0.00001; ExAC 0.00001; gnomAD 0.00001.
gnomAD v4.1: 7 of 1,613,434 alleles (0.00043%); highest among the groups gnomAD compares: South Asian, 0.0055%; no homozygotes.

Submission:

Labcorp Genetics (formerly Invitae), Labcorp
Classification: Uncertain significance. Last evaluated: 2022-10-08. Review status: criteria provided, single submitter. Criteria: Invitae Variant Classification Sherloc (09022015). Collection method: clinical testing. Allele origin: germline.
Comment: In summary, the available evidence is currently insufficient to determine the role of this variant in disease. Therefore, it has been classified as a Variant of Uncertain Significance. Algorithms developed to predict the effect of missense changes on protein structure and function are either unavailable or do not agree on the potential impact of this missense change (SIFT: "Deleterious"; PolyPhen-2: "Probably Damaging"; Align-GVGD: "Class C15"). This variant has not been reported in the literature in individuals affected with ANGPT1-related conditions. This variant is present in population databases (rs774087006, gnomAD 0.01%). This sequence change replaces aspartic acid, which is acidic and polar, with asparagine, which is neutral and polar, at codon 332 of the ANGPT1 protein (p.Asp332Asn).